The following is an entry in ClinVar:

NM_152703.5(SAMD9L):c.868G>A (p.Val290Met)

Gene: SAMD9L (sterile alpha motif domain containing 9 like; minus strand). Cytogenetic location: 7q21.2.
Variant type: single nucleotide variant.
Coding change: c.868G>A on transcript NM_152703.5 (MANE Select); coding-DNA position 868, G replaced by A.
Protein change: p.Val290Met; replaces valine 290 with methionine.
Molecular consequence: missense variant.
Genome position (GRCh38, 1-based): chr7:93,135,104, C>T on the plus strand (G>A on the coding strand, the complement: SAMD9L is on the minus strand). VCF-style: chr7-93135104-C-T. GRCh37 (hg19) VCF-style: chr7-92764417-C-T.
Other names: c.868G>A, p.Val290Met (NM_001303496.3, NM_001303497.3, NM_001303498.3 and 5 more transcripts); short protein forms V290M.
Identifiers: ClinVar variation 3792506 (VCV003792506.2).

ClinVar aggregate classification (germline): Uncertain significance. Review status: criteria provided, multiple submitters, no conflicts (2 of 4 stars). 2 submissions from 2 submitters: Uncertain significance (2). Last evaluated 2025-10-01.

Conditions:
Inborn genetic diseases. Identifiers: MedGen C0950123, MeSH D030342.

gnomAD v4.1: 1 of 1,612,664 alleles (0.000062%); highest among the groups gnomAD compares: Admixed American, 0.0017%; no homozygotes.

Submissions (2):

Labcorp Genetics (formerly Invitae), Labcorp
Classification: Uncertain significance. Last evaluated: 2025-10-01. Review status: criteria provided, single submitter. Criteria: Invitae Variant Classification Sherloc (09022015). Collection method: clinical testing. Allele origin: germline.
Comment: This sequence change replaces valine, which is neutral and non-polar, with methionine, which is neutral and non-polar, at codon 290 of the SAMD9L protein (p.Val290Met). This variant is present in population databases (rs753487843, gnomAD 0.003%). This variant has not been reported in the literature in individuals affected with SAMD9L-related conditions. ClinVar contains an entry for this variant (Variation ID: 3792506). An algorithm developed to predict the effect of missense changes on protein structure and function (PolyPhen-2) suggests that this variant is likely to be disruptive. In summary, the available evidence is currently insufficient to determine the role of this variant in disease. Therefore, it has been classified as a Variant of Uncertain Significance.

Ambry Genetics
Classification: Uncertain significance for Inborn genetic diseases. Last evaluated: 2025-03-08. Review status: criteria provided, single submitter. Criteria: Ambry Variant Classification Scheme 2023. Collection method: clinical testing. Allele origin: germline.
Comment: The p.V290M variant (also known as c.868G>A), located in coding exon 1 of the SAMD9L gene, results from a G to A substitution at nucleotide position 868. The valine at codon 290 is replaced by methionine, an amino acid with highly similar properties. This amino acid position is conserved. In addition, this alteration is predicted to be tolerated by in silico analysis. Based on the available evidence, the clinical significance of this variant remains unclear.